The following is an entry in ClinVar:

NM_001165963.4(SCN1A):c.2561G>A (p.Gly854Glu)

Gene: SCN1A (sodium voltage-gated channel alpha subunit 1; minus strand). Cytogenetic location: 2q24.3.
Variant type: single nucleotide variant.
Coding change: c.2561G>A on transcript NM_001165963.4 (MANE Select); coding-DNA position 2561, G replaced by A.
Protein change: p.Gly854Glu; replaces glycine 854 with glutamic acid.
Molecular consequence: missense variant. On other transcripts: non-coding transcript variant (1).
Genome position (GRCh38, 1-based): chr2:166,039,451, C>T on the plus strand (G>A on the coding strand, the complement: SCN1A is on the minus strand). VCF-style: chr2-166039451-C-T. GRCh37 (hg19) VCF-style: chr2-166895961-C-T.
Other names: c.2477G>A, p.Gly826Glu (NM_001165964.3, NM_001353957.2, NM_001353958.2); c.2561G>A, p.Gly854Glu (NM_001202435.3, NM_001353948.2); c.2528G>A, p.Gly843Glu (NM_001353949.2, NM_001353950.2, NM_001353951.2 and 2 more transcripts); c.2525G>A, p.Gly842Glu (NM_001353954.2, NM_001353955.2); c.2474G>A, p.Gly825Glu (NM_001353960.2); c.119G>A, p.Gly40Glu (NM_001353961.2); short protein forms G826E, G843E, G40E, G825E, G842E, G854E.
Identifiers: ClinVar variation 2120357 (VCV002120357.4), dbSNP rs2468113169, ClinGen allele CA349062410.

ClinVar aggregate classification (germline): Pathogenic (1 of 4 stars; one submission).

Conditions:
Early-infantile DEE. Also called: Early infantile epileptic encephalopathy; Ohtahara syndrome; Early infantile epileptic encephalopathy with suppression bursts. Identifiers: Orphanet 1934, MedGen C0393706, MONDO:0800491.

Allele frequency attached by ClinVar (database versions not stated): gnomAD exomes below 0.00001.
gnomAD v4.1: 1 of 1,609,584 alleles (0.000062%); highest among the groups gnomAD compares: Non-Finnish European, 0.000085%; no homozygotes.

Submission:

Labcorp Genetics (formerly Invitae), Labcorp
Classification: Pathogenic for Early-infantile DEE. Last evaluated: 2026-01-27. Review status: criteria provided, single submitter. Criteria: Invitae Variant Classification Sherloc (09022015). Collection method: clinical testing. Allele origin: germline.
Comment: This sequence change replaces glycine, which is neutral and non-polar, with glutamic acid, which is acidic and polar, at codon 854 of the SCN1A protein (p.Gly854Glu). This variant is not present in population databases (gnomAD no frequency). This missense change has been observed in individual(s) with clinical features of SCN1A-related conditions (internal data). In at least one individual the variant was observed to be de novo. ClinVar contains an entry for this variant (Variation ID: 2120357). Invitae Evidence Modeling of protein sequence and biophysical properties (such as structural, functional, and spatial information, amino acid conservation, physicochemical variation, residue mobility, and thermodynamic stability) indicates that this missense variant is expected to disrupt SCN1A protein function with a positive predictive value of 95%. For these reasons, this variant has been classified as Pathogenic.